The following is an entry in ClinVar:

ClinVar aggregate classification (germline): Uncertain significance (1 of 4 stars; one submission).

Submission:

Labcorp Genetics (formerly Invitae), Labcorp
Classification: Uncertain significance. Last evaluated: 2021-10-09. Review status: criteria provided, single submitter. Criteria: Invitae Variant Classification Sherloc (09022015). Collection method: clinical testing. Allele origin: germline.
Comment: In summary, the available evidence is currently insufficient to determine the role of this variant in disease. Therefore, it has been classified as a Variant of Uncertain Significance. Algorithms developed to predict the effect of missense changes on protein structure and function (SIFT, PolyPhen-2, Align-GVGD) all suggest that this variant is likely to be disruptive. This variant has not been reported in the literature in individuals affected with SETBP1-related conditions. This variant is not present in population databases (ExAC no frequency). This sequence change replaces glycine with arginine at codon 638 of the SETBP1 protein (p.Gly638Arg). The glycine residue is highly conserved and there is a moderate physicochemical difference between glycine and arginine.

NM_015559.3(SETBP1):c.1912G>A (p.Gly638Arg)

Gene: SETBP1 (SET binding protein 1; plus strand). Cytogenetic location: 18q12.3.
Variant type: single nucleotide variant.
Coding change: c.1912G>A on transcript NM_015559.3 (MANE Select); coding-DNA position 1912, G replaced by A.
Protein change: p.Gly638Arg; replaces glycine 638 with arginine.
Molecular consequence: missense variant.
Genome position (GRCh38, 1-based): chr18:44,951,252, G>A. VCF-style: chr18-44951252-G-A. GRCh37 (hg19) VCF-style: chr18-42531217-G-A.
Other names: c.1912G>A, p.Gly638Arg (NM_001379141.1, NM_001379142.1); short protein forms G638R.
Identifiers: ClinVar variation 1441691 (VCV001441691.6), dbSNP rs2145101623, ClinGen allele CA402319891.